The following is an entry in ClinVar:

ClinVar aggregate classification (germline): Uncertain significance (1 of 4 stars; one submission).

Conditions:
Pityriasis rubra pilaris (PRP). Also called: Pityriasis rubra pilaris--familial type. Identifiers: Orphanet 2897, MedGen C0032027, MONDO:0100017, OMIM 173200, MONDO:0008251.
Psoriasis 2. Identifiers: MedGen C1864497, MONDO:0011269, OMIM 602723.

Allele frequency attached by ClinVar (database versions not stated): gnomAD 0.00001; TOPMed 0.00001.

Submission:

Labcorp Genetics (formerly Invitae), Labcorp
Classification: Uncertain significance for Pityriasis rubra pilaris; Psoriasis 2. Last evaluated: 2026-02-02. Review status: criteria provided, single submitter. Criteria: Invitae Variant Classification Sherloc (09022015). Collection method: clinical testing. Allele origin: germline.
Comment: This sequence change replaces glutamic acid, which is acidic and polar, with glutamine, which is neutral and polar, at codon 288 of the CARD14 protein (p.Glu288Gln). This variant is not present in population databases (gnomAD no frequency). This variant has not been reported in the literature in individuals affected with CARD14-related conditions. ClinVar contains an entry for this variant (Variation ID: 2415694). Invitae Evidence Modeling of protein sequence and biophysical properties (such as structural, functional, and spatial information, amino acid conservation, physicochemical variation, residue mobility, and thermodynamic stability) indicates that this missense variant is not expected to disrupt CARD14 protein function with a negative predictive value of 95%. In summary, the available evidence is currently insufficient to determine the role of this variant in disease. Therefore, it has been classified as a Variant of Uncertain Significance.

NM_001366385.1(CARD14):c.862G>C (p.Glu288Gln)

Gene: CARD14 (caspase recruitment domain family member 14; plus strand). Cytogenetic location: 17q25.3.
Variant type: single nucleotide variant.
Coding change: c.862G>C on transcript NM_001366385.1 (MANE Select); coding-DNA position 862, G replaced by C.
Protein change: p.Glu288Gln; replaces glutamic acid 288 with glutamine.
Molecular consequence: missense variant. On other transcripts: non-coding transcript variant (1).
Genome position (GRCh38, 1-based): chr17:80,189,771, G>C. VCF-style: chr17-80189771-G-C. GRCh37 (hg19) VCF-style: chr17-78163570-G-C.
Other names: c.862G>C, p.Glu288Gln (NM_001257970.1, NM_024110.4); c.151G>C, p.Glu51Gln (NM_052819.3); short protein forms E288Q, E51Q.
Identifiers: ClinVar variation 2415694 (VCV002415694.5), dbSNP rs1444612073, ClinGen allele CA401342663.